The following is an entry in ClinVar:

NM_032578.4(MYPN):c.3467C>A (p.Ser1156Tyr)

Gene: MYPN (myopalladin; plus strand). Cytogenetic location: 10q21.3.
Variant type: single nucleotide variant.
Coding change: c.3467C>A on transcript NM_032578.4 (MANE Select); coding-DNA position 3467, C replaced by A.
Protein change: p.Ser1156Tyr; replaces serine 1156 with tyrosine.
Molecular consequence: missense variant. On other transcripts: non-coding transcript variant (2).
Genome position (GRCh38, 1-based): chr10:68,199,549, C>A. VCF-style: chr10-68199549-C-A. GRCh37 (hg19) VCF-style: chr10-69959306-C-A.
Other names: p.Ser1156Tyr; c.3467C>A, p.Ser1156Tyr (NM_001256267.2); c.2585C>A, p.Ser862Tyr (NM_001256268.2); c.3467C>A (NM_032578.2); short protein forms S1156Y, S862Y.
Identifiers: ClinVar variation 3235698 (VCV003235698.2), dbSNP rs2043674051, ClinGen allele CA376859384.
Genomic context (GRCh38, chr10:68,199,549, plus strand): 5'-TCACTCAGCGCGACGCAGGGACCTATAAGTGCATCGCTACCAACAAAACCGGGCAGAATT[C>A]TTTTAGTCTGGAGCTCTCTGTAGTAGGTAAGGTTTGCTGCTGGGACCCCTAAACACAACT-3'
Protein context (NP_115967.2, residues 1146-1166): CIATNKTGQN[Ser1156Tyr]FSLELSVVAK

ClinVar aggregate classification (germline): Uncertain significance. Review status: criteria provided, multiple submitters, no conflicts (2 of 4 stars). 2 submissions from 2 submitters: Uncertain significance (2). Last evaluated 2026-03-30.

Conditions:
Cardiovascular phenotype. Identifiers: MedGen CN230736.
Dilated cardiomyopathy 1KK (CMD1KK). Identifiers: Orphanet 154, Orphanet 75249, MedGen C3714995, MONDO:0014100, OMIM 615248.

Allele frequency attached by ClinVar (database versions not stated): gnomAD exomes below 0.00001.

Submissions (2):

Ambry Genetics
Classification: Uncertain significance for Cardiovascular phenotype. Last evaluated: 2026-03-30. Review status: criteria provided, single submitter. Criteria: Ambry Variant Classification Scheme 2023. Collection method: clinical testing. Allele origin: germline.
Comment: The p.S1156Y variant (also known as c.3467C>A), located in coding exon 16 of the MYPN gene, results from a C to A substitution at nucleotide position 3467. The serine at codon 1156 is replaced by tyrosine, an amino acid with dissimilar properties. This amino acid position is conserved. In addition, this alteration is predicted to be deleterious by in silico analysis. Based on the available evidence, the clinical significance of this variant remains unclear.

Clinical Genomics Laboratory, Stanford Medicine
Classification: Uncertain significance for Dilated cardiomyopathy 1KK. Last evaluated: 2021-07-06. Review status: criteria provided, single submitter. Criteria: ACMG Guidelines, 2015. Collection method: clinical testing. Allele origin: germline. Affected: yes. Observed: 1 heterozygote.
Comment: The p.Ser1156Tyr variant in the MYPNgene has not been previously reported in association with disease.This variant was absent from large population databases, including the Genome Aggregation Database.Computational tools predict that the p.Ser1156Tyr variant is deleterious; however, the accuracy of in silico algorithms is limited.These data were assessed using the ACMG/AMP variant interpretationguidelines. In summary, the significance of the p.Ser1156Tyr variant is uncertain. Additional information is needed to resolve the significance of this variant.[ACMG evidence codes used: PM2; PP3]